The following is an entry in ClinVar:

NM_000368.5(TSC1):c.2209-20A>G

Gene: TSC1 (TSC complex subunit 1; minus strand). Cytogenetic location: 9q34.13.
Variant type: single nucleotide variant.
Coding change: c.2209-20A>G on transcript NM_000368.5 (MANE Select); 20 bases into the intron before coding-DNA position 2209, A replaced by G.
Molecular consequence: intron variant.
Genome position (GRCh38, 1-based): chr9:132,902,807, T>C on the plus strand (A>G on the coding strand, the complement: TSC1 is on the minus strand). VCF-style: chr9-132902807-T-C. GRCh37 (hg19) VCF-style: chr9-135778194-T-C.
Other names: c.1846-20A>G (NM_001362177.2); c.2056-20A>G (NM_001162427.2); c.2206-20A>G (NM_001162426.2).
Identifiers: ClinVar variation 1566632 (VCV001566632.9), dbSNP rs2131742694, ClinGen allele CA2573144241.

ClinVar aggregate classification (germline): Likely benign. Review status: criteria provided, multiple submitters, no conflicts (2 of 4 stars). 2 submissions from 2 submitters: Likely benign (2). Last evaluated 2025-04-24.

Conditions:
Tuberous sclerosis 1 (TSC1). Identifiers: Orphanet 805, MedGen C1854465, MONDO:0008612, OMIM 191100.

Allele frequency attached by ClinVar (database versions not stated): gnomAD exomes below 0.00001.
gnomAD v4.1: 2 of 1,612,718 alleles (0.00012%); highest among the groups gnomAD compares: Non-Finnish European, 0.00017%; no homozygotes.

Submissions (2):

Myriad Genetics, Inc.
Classification: Likely benign for Tuberous sclerosis 1. Last evaluated: 2025-04-24. Review status: criteria provided, single submitter. Criteria: Myriad Autosomal Dominant, Autosomal Recessive and X-Linked Classification Criteria (2023). Collection method: clinical testing. Allele origin: unknown.
Comment: This variant is considered likely benign. This variant is intronic and is not expected to impact mRNA splicing.

Labcorp Genetics (formerly Invitae), Labcorp
Classification: Likely benign for Tuberous sclerosis 1. Last evaluated: 2024-06-13. Review status: criteria provided, single submitter. Criteria: Invitae Variant Classification Sherloc (09022015). Collection method: clinical testing. Allele origin: germline.